The following is an entry in ClinVar:

NM_004415.4(DSP):c.630C>A (p.Asp210Glu)

Gene: DSP (desmoplakin; plus strand). Cytogenetic location: 6p24.3.
Variant type: single nucleotide variant.
Coding change: c.630C>A on transcript NM_004415.4 (MANE Select); coding-DNA position 630, C replaced by A.
Protein change: p.Asp210Glu; replaces aspartic acid 210 with glutamic acid.
Molecular consequence: missense variant.
Genome position (GRCh38, 1-based): chr6:7,562,684, C>A. VCF-style: chr6-7562684-C-A. GRCh37 (hg19) VCF-style: chr6-7562917-C-A.
Other names: c.630C>A, p.Asp210Glu (NM_001008844.3, NM_001319034.2, NM_001406591.1); short protein forms D210E.
Identifiers: ClinVar variation 2775265 (VCV002775265.2), dbSNP rs2113665093, ClinGen allele CA362673175.
Genomic context (GRCh38, chr6:7,562,684, plus strand): 5'-GGCGCCTCTCTTTGTCTTTGTGTCGCAGGCGGAGATGGACATGGTGGCCTGGGGTGTGGA[C>A]CTGGCCTCAGTGGAGCAGCACATTAACAGCCACCGGGGCATCCACAACTCCATCGGCGAC-3'
Protein context (NP_004406.2, residues 200-220): AEMDMVAWGV[Asp210Glu]LASVEQHINS

ClinVar aggregate classification (germline): Uncertain significance (1 of 4 stars; one submission).

Conditions:
Cardiomyopathy (CMYO). Also called: Cardiomyopathies. Identifiers: Orphanet 167848, MedGen C0878544, MONDO:0004994, HP:0001638. Inheritance: Various modes of inheritance.

gnomAD v4.1: 1 of 1,614,072 alleles (0.000062%); highest among the groups gnomAD compares: Non-Finnish European, 0.000085%; no homozygotes.

Submission:

Color Diagnostics, LLC DBA Color Health
Classification: Uncertain significance for Cardiomyopathy. Last evaluated: 2023-10-16. Review status: criteria provided, single submitter. Criteria: ACMG Guidelines, 2015. Collection method: clinical testing. Allele origin: germline.
Comment: This missense variant replaces aspartic acid with glutamic acid at codon 210 of the DSP protein. Computational prediction suggests that this variant may have deleterious impact on protein structure and function (internally defined REVEL score threshold >= 0.7, PMID: 27666373). To our knowledge, functional studies have not been reported for this variant. This variant has not been reported in individuals affected with DSP-related disorders in the literature. This variant has not been identified in the general population by the Genome Aggregation Database (gnomAD). The available evidence is insufficient to determine the role of this variant in disease conclusively. Therefore, this variant is classified as a Variant of Uncertain Significance.